The following is an entry in ClinVar:

NM_000535.7(PMS2):c.878dup (p.Asn293fs)

Gene: PMS2 (PMS1 homolog 2, mismatch repair system component; minus strand). Cytogenetic location: 7p22.1.
Variant type: Duplication.
Coding change: c.878dup on transcript NM_000535.7 (MANE Select); coding-DNA position 878, one base duplicated (A; older notation c.878dupA).
Protein change: p.Asn293fs; shifts the reading frame from asparagine 293.
Molecular consequence: frameshift variant. On other transcripts: 5 prime UTR variant (2), non-coding transcript variant (1).
Genome position (GRCh38, 1-based): chr7:5,995,559, T duplicated on the plus strand (A on the coding strand, the reverse complement: PMS2 is on the minus strand); the first of 2 consecutive T bases (chr7:5,995,559-5,995,560); duplicating either gives the same sequence. VCF-style (leftmost placement, unchanged base first): chr7-5995558-G-GT. GRCh37 (hg19) VCF-style: chr7-6035189-G-GT.
Other names: c.878dupA (NM_000535.5); c.473dup, p.Asn158fs (NM_001322003.2, NM_001322004.2, NM_001322005.2 and 2 more transcripts); c.878dup, p.Asn293fs (NM_001322006.2, NM_001322014.2); c.560dup, p.Asn187fs (NM_001322007.2, NM_001322008.2); c.-56dup (NM_001322011.2, NM_001322012.2); c.305dup, p.Asn102fs (NM_001322013.2); c.569dup, p.Asn190fs (NM_001322015.2); short protein forms N187fs, N190fs, N102fs, N158fs, N293fs.
Identifiers: ClinVar variation 858553 (VCV000858553.11), dbSNP rs1344095646, ClinGen allele CA840185136.

ClinVar aggregate classification (germline): Pathogenic. Review status: criteria provided, multiple submitters, no conflicts (2 of 4 stars). 3 submissions from 3 submitters: Pathogenic (3). Last evaluated 2025-10-07.

Conditions:
Lynch syndrome 4 (LYNCH4). Also called: Hereditary non-polyposis colorectal cancer, type 4; Colorectal cancer, hereditary nonpolyposis, type 4. Identifiers: Orphanet 144, MedGen C1838333, MONDO:0013699, OMIM 614337. Disease mechanism: loss of function.
Hereditary nonpolyposis colorectal neoplasms. Identifiers: MedGen C0009405, MeSH D003123.
Hereditary cancer-predisposing syndrome. Also called: Tumor predisposition; Hereditary neoplastic syndrome; Neoplastic Syndromes, Hereditary; Hereditary Cancer Syndrome. Identifiers: Orphanet 140162, MedGen C0027672, MeSH D009386, MONDO:0015356.

Submissions (3):

Labcorp Genetics (formerly Invitae), Labcorp
Classification: Pathogenic for Hereditary nonpolyposis colorectal neoplasms. Last evaluated: 2025-10-07. Review status: criteria provided, single submitter. Criteria: Invitae Variant Classification Sherloc (09022015). Collection method: clinical testing. Allele origin: germline.
Comment: This sequence change creates a premature translational stop signal (p.Asn293Lysfs*6) in the PMS2 gene. It is expected to result in an absent or disrupted protein product. Loss-of-function variants in PMS2 are known to be pathogenic (PMID: 21376568, 24362816). This variant is not present in population databases (gnomAD no frequency). This variant has not been reported in the literature in individuals affected with PMS2-related conditions. ClinVar contains an entry for this variant (Variation ID: 858553). For these reasons, this variant has been classified as Pathogenic.

Ambry Genetics
Classification: Pathogenic for Hereditary cancer-predisposing syndrome. Last evaluated: 2023-12-19. Review status: criteria provided, single submitter. Criteria: Ambry Variant Classification Scheme 2023. Collection method: clinical testing. Allele origin: germline.
Comment: The c.878dupA pathogenic mutation, located in coding exon 8 of the PMS2 gene, results from a duplication of A at nucleotide position 878, causing a translational frameshift with a predicted alternate stop codon (p.N293Kfs*6). This variant is considered to be rare based on population cohorts in the Genome Aggregation Database (gnomAD). This alteration is expected to result in loss of function by premature protein truncation or nonsense-mediated mRNA decay. As such, this alteration is interpreted as a disease-causing mutation.

Myriad Genetics, Inc.
Classification: Pathogenic for Lynch syndrome 4. Last evaluated: 2023-09-19. Review status: criteria provided, single submitter. Criteria: Myriad Autosomal Dominant, Autosomal Recessive and X-Linked Classification Criteria (2023). Collection method: clinical testing. Allele origin: unknown.
Comment: This variant is considered pathogenic. This variant creates a frameshift predicted to result in premature protein truncation.

Literature cited by the submitters: PubMed 21376568 (cited by Labcorp Genetics (formerly Invitae), Labcorp); PubMed 24362816 (cited by Labcorp Genetics (formerly Invitae), Labcorp).